The following is an entry in ClinVar:

NM_013372.7(GREM1):c.123C>A (p.His41Gln)

Gene: GREM1 (gremlin 1, DAN family BMP antagonist; plus strand). Cytogenetic location: 15q13.3.
Variant type: single nucleotide variant.
Coding change: c.123C>A on transcript NM_013372.7 (MANE Select); coding-DNA position 123, C replaced by A.
Protein change: p.His41Gln; replaces histidine 41 with glutamine.
Molecular consequence: missense variant. On other transcripts: intron variant (2).
Genome position (GRCh38, 1-based): chr15:32,730,813, C>A. VCF-style: chr15-32730813-C-A. GRCh37 (hg19) VCF-style: chr15-33023014-C-A.
Other names: c.123C>A, p.His41Gln (NM_001368719.1); c.114+9C>A (NM_001191323.2); c.27+96C>A (NM_001191322.2); short protein forms H41Q.
Identifiers: ClinVar variation 4032195 (VCV004032195.1).
Genomic context (GRCh38, chr15:32,730,813, plus strand): 5'-TGCTGAAGGGAAAAAGAAAGGGTCCCAAGGTGCCATCCCCCCGCCAGACAAGGCCCAGCA[C>A]AATGACTCAGAGCAGACTCAGTCGCCCCAGCAGCCTGGCTCCAGGAACCGGGGGCGGGGC-3'
Protein context (NP_037504.1, residues 31-51): GAIPPPDKAQ[His41Gln]NDSEQTQSPQ

ClinVar aggregate classification (germline): Uncertain significance (1 of 4 stars; one submission).

Conditions:
Hereditary cancer-predisposing syndrome. Also called: Neoplastic Syndromes, Hereditary; Tumor predisposition; Hereditary neoplastic syndrome; Hereditary Cancer Syndrome. Identifiers: Orphanet 140162, MedGen C0027672, MeSH D009386, MONDO:0015356.

Submission:

Ambry Genetics
Classification: Uncertain significance for Hereditary cancer-predisposing syndrome. Last evaluated: 2025-03-29. Review status: criteria provided, single submitter. Criteria: Ambry Variant Classification Scheme 2023. Collection method: clinical testing. Allele origin: germline.
Comment: The p.H41Q variant (also known as c.123C>A), located in coding exon 1 of the GREM1 gene, results from a C to A substitution at nucleotide position 123. The histidine at codon 41 is replaced by glutamine, an amino acid with highly similar properties. This amino acid position is conserved. In addition, this alteration is predicted to be tolerated by in silico analysis. Based on the available evidence, the clinical significance of this variant remains unclear.